The following is an entry in ClinVar:

NM_000553.6(WRN):c.2147G>A (p.Arg716His)

Gene: WRN (WRN RecQ like helicase; plus strand). Cytogenetic location: 8p12.
Variant type: single nucleotide variant.
Coding change: c.2147G>A on transcript NM_000553.6 (MANE Select); coding-DNA position 2147, G replaced by A.
Protein change: p.Arg716His; replaces arginine 716 with histidine.
Molecular consequence: missense variant.
Genome position (GRCh38, 1-based): chr8:31,111,673, G>A. VCF-style: chr8-31111673-G-A. GRCh37 (hg19) VCF-style: chr8-30969189-G-A.
Other names: short protein forms R716H.
Identifiers: ClinVar variation 1046463 (VCV001046463.5), dbSNP rs753428420, ClinGen allele CA4704661.
Genomic context (GRCh38, chr8:31,111,673, plus strand): 5'-AGGTTCCAATCGTTGCACTTACTGCTACTGCAAGTTCTTCAATCCGGGAAGACATTGTAC[G>A]TTGCTTAAATCTGAGAAATCCTCAGATCACCTGTACTGGTTTTGATCGACCAAACCTGTA-3'
Protein context (NP_000544.2, residues 706-726): ASSSIREDIV[Arg716His]CLNLRNPQIT

ClinVar aggregate classification (germline): Uncertain significance (1 of 4 stars; one submission).

Conditions:
Werner syndrome (WRN). Identifiers: Orphanet 902, MedGen C0043119, MONDO:0010196, OMIM 277700.

Allele frequency attached by ClinVar (database versions not stated): TOPMed below 0.00001; ExAC 0.00001; gnomAD 0.00001; gnomAD exomes 0.00001.
gnomAD v4.1: 11 of 1,613,930 alleles (0.00068%); highest among the groups gnomAD compares: African/African-American, 0.0027%; no homozygotes.

Submission:

Labcorp Genetics (formerly Invitae), Labcorp
Classification: Uncertain significance for Werner syndrome. Last evaluated: 2024-08-28. Review status: criteria provided, single submitter. Criteria: Invitae Variant Classification Sherloc (09022015). Collection method: clinical testing. Allele origin: germline.
Comment: This sequence change replaces arginine, which is basic and polar, with histidine, which is basic and polar, at codon 716 of the WRN protein (p.Arg716His). This variant is present in population databases (rs753428420, gnomAD 0.007%). This variant has not been reported in the literature in individuals affected with WRN-related conditions. ClinVar contains an entry for this variant (Variation ID: 1046463). An algorithm developed to predict the effect of missense changes on protein structure and function outputs the following: PolyPhen-2: "Benign". The histidine amino acid residue is found in multiple mammalian species, which suggests that this missense change does not adversely affect protein function. In summary, the available evidence is currently insufficient to determine the role of this variant in disease. Therefore, it has been classified as a Variant of Uncertain Significance.